The following is an entry in ClinVar:

NM_015450.3(POT1):c.98A>C (p.Lys33Thr)

Gene: POT1 (protection of telomeres 1; minus strand). Cytogenetic location: 7q31.33.
Variant type: single nucleotide variant.
Coding change: c.98A>C on transcript NM_015450.3 (MANE Select); coding-DNA position 98, A replaced by C.
Protein change: p.Lys33Thr; replaces lysine 33 with threonine.
Molecular consequence: missense variant. On other transcripts: 5 prime UTR variant (1), non-coding transcript variant (3).
Genome position (GRCh38, 1-based): chr7:124,892,292, T>G on the plus strand (A>C on the coding strand, the complement: POT1 is on the minus strand). VCF-style: chr7-124892292-T-G. GRCh37 (hg19) VCF-style: chr7-124532346-T-G.
Other names: c.-165A>C (NM_001042594.2); short protein forms K33T.
Identifiers: ClinVar variation 1768531 (VCV001768531.2), dbSNP rs2485562573, ClinGen allele CA369066038.

ClinVar aggregate classification (germline): Uncertain significance (1 of 4 stars; one submission).

Conditions:
Hereditary cancer-predisposing syndrome. Also called: Hereditary Cancer Syndrome; Hereditary neoplastic syndrome; Neoplastic Syndromes, Hereditary; Tumor predisposition. Identifiers: Orphanet 140162, MedGen C0027672, MeSH D009386, MONDO:0015356.

Submission:

Ambry Genetics
Classification: Uncertain significance for Hereditary cancer-predisposing syndrome. Last evaluated: 2022-08-29. Review status: criteria provided, single submitter. Criteria: Ambry Variant Classification Scheme 2023. Collection method: clinical testing. Allele origin: germline.
Comment: The p.K33T variant (also known as c.98A>C), located in coding exon 2 of the POT1 gene, results from an A to C substitution at nucleotide position 98. The lysine at codon 33 is replaced by threonine, an amino acid with similar properties. This amino acid position is conserved. In addition, the in silico prediction for this alteration is inconclusive. Since supporting evidence is limited at this time, the clinical significance of this alteration remains unclear.